The following is an entry in ClinVar:

ClinVar aggregate classification (germline): Uncertain significance. Review status: criteria provided, multiple submitters, no conflicts (2 of 4 stars). 2 submissions from 2 submitters: Uncertain significance (2). Last evaluated 2025-04-18.

Conditions:
Inborn genetic diseases. Identifiers: MedGen C0950123, MeSH D030342.

Allele frequency attached by ClinVar (database versions not stated): gnomAD 0.00001; gnomAD exomes below 0.00001.
gnomAD v4.1: 5 of 1,613,438 alleles (0.00031%); highest among the groups gnomAD compares: African/African-American, 0.0053%; no homozygotes.

Submissions (2):

Ambry Genetics
Classification: Uncertain significance for Inborn genetic diseases. Last evaluated: 2025-04-18. Review status: criteria provided, single submitter. Criteria: Ambry Variant Classification Scheme 2023. Collection method: clinical testing. Allele origin: germline.

Labcorp Genetics (formerly Invitae), Labcorp
Classification: Uncertain significance. Last evaluated: 2022-06-13. Review status: criteria provided, single submitter. Criteria: Invitae Variant Classification Sherloc (09022015). Collection method: clinical testing. Allele origin: germline.
Comment: This sequence change replaces aspartic acid, which is acidic and polar, with asparagine, which is neutral and polar, at codon 126 of the TSFM protein (p.Asp126Asn). This variant is present in population databases (no rsID available, gnomAD 0.01%). This variant has not been reported in the literature in individuals affected with TSFM-related conditions. Algorithms developed to predict the effect of missense changes on protein structure and function are either unavailable or do not agree on the potential impact of this missense change (SIFT: "Deleterious"; PolyPhen-2: "Probably Damaging"; Align-GVGD: "Class C15"). Algorithms developed to predict the effect of sequence changes on RNA splicing suggest that this variant may create or strengthen a splice site. In summary, the available evidence is currently insufficient to determine the role of this variant in disease. Therefore, it has been classified as a Variant of Uncertain Significance.

NM_005726.6(TSFM):c.376G>A (p.Asp126Asn)

Gene: TSFM (Ts translation elongation factor, mitochondrial; plus strand). Cytogenetic location: 12q14.1.
Variant type: single nucleotide variant.
Coding change: c.376G>A on transcript NM_005726.6 (MANE Select); coding-DNA position 376, G replaced by A.
Protein change: p.Asp126Asn; replaces aspartic acid 126 with asparagine.
Molecular consequence: missense variant.
Genome position (GRCh38, 1-based): chr12:57,787,055, G>A. VCF-style: chr12-57787055-G-A. GRCh37 (hg19) VCF-style: chr12-58180838-G-A.
Other names: c.376G>A, p.Asp126Asn (NM_001172695.2, NM_001172696.2, NM_001172697.2); c.376G>A (NM_001172696.1); short protein forms D126N.
Identifiers: ClinVar variation 1985824 (VCV001985824.2), dbSNP rs1278635672, ClinGen allele CA385526764.